The following is an entry in ClinVar:

NM_000515.5(GH1):c.623_624delinsTT (p.Cys208Phe)

Genes: GH-LCR (growth hormone locus control region; plus strand), GH1 (growth hormone 1; minus strand). Cytogenetic location: 17q23.3.
Variant type: Indel.
Coding change: c.623_624delinsTT on transcript NM_000515.5 (MANE Select); coding-DNA positions 623 to 624, GC replaced by TT.
Protein change: p.Cys208Phe; replaces cysteine 208 with phenylalanine.
Molecular consequence: missense variant.
Genome position (GRCh38, 1-based): chr17:63,917,339-63,917,340, GC replaced by AA on the plus strand (GC replaced by TT on the coding strand, the reverse complement: GH1 is on the minus strand). VCF-style: chr17-63917339-GC-AA. GRCh37 (hg19) VCF-style: chr17-61994699-GC-AA.
Other names: c.578_579delinsTT, p.Cys193Phe (NM_022559.4); c.503_504delinsTT, p.Cys168Phe (NM_022560.4); short protein forms C193F, C208F, C168F.
Identifiers: ClinVar variation 4620776 (VCV004620776.1).

ClinVar aggregate classification (germline): Uncertain significance (1 of 4 stars; one submission).

Conditions:
Inborn genetic diseases. Identifiers: MedGen C0950123, MeSH D030342.

Submission:

Ambry Genetics
Classification: Uncertain significance for Inborn genetic diseases. Last evaluated: 2025-09-22. Review status: criteria provided, single submitter. Criteria: Ambry Variant Classification Scheme 2023. Collection method: clinical testing. Allele origin: germline.
Comment: The c.623_624delGCinsTT (p.C208F) alteration, located in exon 5 (coding exon 5) of the GH1 gene, results from an in-frame deletion of GC and insertion of TT at nucleotide positions 623 to 624. This results in the substitution of the cysteine (C) residue for a phenylalanine (F) residue at codon 208. This variant was not reported in population-based cohorts in the Genome Aggregation Database (gnomAD). This amino acid position is well conserved in available vertebrate species. This alteration is predicted to be deleterious by in silico analysis. Based on insufficient or conflicting evidence, the clinical significance of this alteration remains unclear.